The following is an entry in ClinVar:

ClinVar aggregate classification (germline): Uncertain significance. Review status: criteria provided, multiple submitters, no conflicts (2 of 4 stars). 2 submissions from 2 submitters: Uncertain significance (2). Last evaluated 2025-04-13.

Conditions:
Hereditary nonpolyposis colorectal neoplasms. Identifiers: MedGen C0009405, MeSH D003123.
Hereditary cancer-predisposing syndrome. Also called: Hereditary Cancer Syndrome; Tumor predisposition; Hereditary neoplastic syndrome; Neoplastic Syndromes, Hereditary. Identifiers: Orphanet 140162, MedGen C0027672, MeSH D009386, MONDO:0015356.

Submissions (2):

Labcorp Genetics (formerly Invitae), Labcorp
Classification: Uncertain significance for Hereditary nonpolyposis colorectal neoplasms. Last evaluated: 2025-04-13. Review status: criteria provided, single submitter. Criteria: Invitae Variant Classification Sherloc (09022015). Collection method: clinical testing. Allele origin: germline.
Comment: This sequence change replaces glutamic acid, which is acidic and polar, with alanine, which is neutral and non-polar, at codon 207 of the MSH6 protein (p.Glu207Ala). This variant is not present in population databases (gnomAD no frequency). This variant has not been reported in the literature in individuals affected with MSH6-related conditions. ClinVar contains an entry for this variant (Variation ID: 3398840). Invitae Evidence Modeling of protein sequence and biophysical properties (such as structural, functional, and spatial information, amino acid conservation, physicochemical variation, residue mobility, and thermodynamic stability) indicates that this missense variant is not expected to disrupt MSH6 protein function with a negative predictive value of 95%. In summary, the available evidence is currently insufficient to determine the role of this variant in disease. Therefore, it has been classified as a Variant of Uncertain Significance.

Ambry Genetics
Classification: Uncertain significance for Hereditary cancer-predisposing syndrome. Last evaluated: 2024-11-08. Review status: criteria provided, single submitter. Criteria: Ambry Variant Classification Scheme 2023. Collection method: clinical testing. Allele origin: germline.
Comment: The p.E207A variant (also known as c.620A>C), located in coding exon 3 of the MSH6 gene, results from an A to C substitution at nucleotide position 620. The glutamic acid at codon 207 is replaced by alanine, an amino acid with dissimilar properties. This amino acid position is highly conserved in available vertebrate species. In addition, this alteration is predicted to be tolerated by in silico analysis. Based on the available evidence, the clinical significance of this variant remains unclear.

NM_000179.3(MSH6):c.620A>C (p.Glu207Ala)

Gene: MSH6 (mutS homolog 6; plus strand). Cytogenetic location: 2p16.3.
Variant type: single nucleotide variant.
Coding change: c.620A>C on transcript NM_000179.3 (MANE Select); coding-DNA position 620, A replaced by C.
Protein change: p.Glu207Ala; replaces glutamic acid 207 with alanine.
Molecular consequence: missense variant. On other transcripts: 5 prime UTR variant (2), non-coding transcript variant (5), intron variant (8).
Genome position (GRCh38, 1-based): chr2:47,796,056, A>C. VCF-style: chr2-47796056-A-C. GRCh37 (hg19) VCF-style: chr2-48023195-A-C.
Other names: c.-283A>C (NM_001281494.2); c.716A>C, p.Glu239Ala (NM_001406795.1, NM_001406802.1); c.620A>C, p.Glu207Ala (NM_001406796.1, NM_001406798.1, NM_001406800.1 and 5 more transcripts); c.323A>C, p.Glu108Ala (NM_001406797.1, NM_001406801.1, NM_001406805.1 and 10 more transcripts); c.95A>C, p.Glu32Ala (NM_001406799.1, NM_001406806.1, NM_001406807.1); c.542A>C, p.Glu181Ala (NM_001406804.1); c.626A>C, p.Glu209Ala (NM_001406813.1); c.-375A>C (NM_001406814.1); and 3 more; short protein forms E151A, E181A, E108A, E209A, E239A, E207A, E32A.
Identifiers: ClinVar variation 3398840 (VCV003398840.3).